The following is an entry in ClinVar:

NM_001035.3(RYR2):c.5940G>A (p.Lys1980=)

Gene: RYR2 (ryanodine receptor 2; plus strand). Cytogenetic location: 1q43.
Variant type: single nucleotide variant.
Coding change: c.5940G>A on transcript NM_001035.3 (MANE Select); coding-DNA position 5940, G replaced by A.
Protein change: p.Lys1980=; no amino-acid change (lysine 1980 retained).
Molecular consequence: synonymous variant.
Genome position (GRCh38, 1-based): chr1:237,623,788, G>A. VCF-style: chr1-237623788-G-A. GRCh37 (hg19) VCF-style: chr1-237787088-G-A.
Identifiers: ClinVar variation 3385750 (VCV003385750.2).

ClinVar aggregate classification (germline): Likely benign. Review status: criteria provided, multiple submitters, no conflicts (2 of 4 stars). 2 submissions from 2 submitters: Likely benign (2). Last evaluated 2026-01-20.

Conditions:
Catecholaminergic polymorphic ventricular tachycardia (CVPT). Also called: Catecholamine-induced polymorphic ventricular tachycardia. Identifiers: Orphanet 3286, MedGen C5574922, MONDO:0017990.
Catecholaminergic polymorphic ventricular tachycardia 1. Also called: VENTRICULAR TACHYCARDIA, CATECHOLAMINERGIC POLYMORPHIC, 1, WITH OR WITHOUT ATRIAL DYSFUNCTION AND/OR DILATED CARDIOMYOPATHY; VENTRICULAR TACHYCARDIA, STRESS-INDUCED POLYMORPHIC 1; RYR2-Related Catecholaminergic Polymorphic Ventricular Tachycardia. Identifiers: Orphanet 3286, MedGen C1631597, MONDO:0011484, OMIM 604772.

gnomAD v4.1: 7 of 1,610,890 alleles (0.00043%); highest among the groups gnomAD compares: South Asian, 0.0011%; no homozygotes.

Submissions (2):

Labcorp Genetics (formerly Invitae), Labcorp
Classification: Likely benign for Catecholaminergic polymorphic ventricular tachycardia 1. Last evaluated: 2026-01-20. Review status: criteria provided, single submitter. Criteria: Invitae Variant Classification Sherloc (09022015). Collection method: clinical testing. Allele origin: germline.

All of Us Research Program, National Institutes of Health
Classification: Likely benign for Catecholaminergic polymorphic ventricular tachycardia. Last evaluated: 2024-04-16. Review status: criteria provided, single submitter. Criteria: ACMG Guidelines, 2015. Collection method: clinical testing. Allele origin: germline. Inheritance: Autosomal dominant inheritance. Observed: 1 variant allele, 1 heterozygote.
Comment: This study involves interpretation of variants in research participants for the purpose of population health screening. Participant phenotype was not available at the time of variant classification. Additional details can be found in publication PMID: 35346344, PMCID: PMC8962531